The following is an entry in ClinVar:

ClinVar aggregate classification (germline): Uncertain significance (1 of 4 stars; one submission).

Conditions:
Nephrolithiasis/nephrocalcinosis. Identifiers: MedGen CN580796.

Submission:

Ambry Genetics
Classification: Uncertain significance for Nephrolithiasis/nephrocalcinosis. Last evaluated: 2024-09-26. Review status: criteria provided, single submitter. Criteria: Ambry Variant Classification Scheme 2023. Collection method: clinical testing. Allele origin: germline.
Comment: The p.Q954P variant (also known as c.2861A>C), located in coding exon 6 of the CASR gene, results from an A to C substitution at nucleotide position 2861. The glutamine at codon 954 is replaced by proline, an amino acid with similar properties. This amino acid position is not well conserved in available vertebrate species. In addition, this alteration is predicted to be tolerated by in silico analysis. In addition, the evidence for the gene-disease relationship is limited for pancreatitis and cancer predisposition; therefore, the clinical significance of this variant for CASR-related pancreatitis and cancer predisposition is unclear. Based on the available evidence, the clinical significance of this variant remains unclear.

NM_000388.4(CASR):c.2861A>C (p.Gln954Pro)

Gene: CASR (calcium sensing receptor; plus strand). Cytogenetic location: 3q21.1.
Variant type: single nucleotide variant.
Coding change: c.2861A>C on transcript NM_000388.4 (MANE Select); coding-DNA position 2861, A replaced by C.
Protein change: p.Gln954Pro; replaces glutamine 954 with proline.
Molecular consequence: missense variant.
Genome position (GRCh38, 1-based): chr3:122,284,815, A>C. VCF-style: chr3-122284815-A-C. GRCh37 (hg19) VCF-style: chr3-122003662-A-C.
Other names: c.2891A>C, p.Gln964Pro (NM_001178065.2); short protein forms Q954P, Q964P.
Identifiers: ClinVar variation 3485322 (VCV003485322.1).